The following is an entry in ClinVar:

ClinVar aggregate classification (germline): Uncertain significance. Review status: criteria provided, multiple submitters, no conflicts (2 of 4 stars). 2 submissions from 2 submitters: Uncertain significance (2). Last evaluated 2025-12-28.

Conditions:
Inborn genetic diseases. Identifiers: MedGen C0950123, MeSH D030342.
Acute myeloid leukemia (AML). Also called: Acute myeloid leukemia, adult; AML adult; Acute non-lymphocytic leukemia; Acute granulocytic leukemia; Leukemia, acute myeloid, somatic; Leukemia, acute myelogenous, somatic. Identifiers: Orphanet 519, MedGen C0023467, MeSH D015470, MONDO:0018874, OMIM 601626, HP:0004808. Disease mechanism: Constitutively activated FLT3.

gnomAD v4.1: 1 of 1,303,874 alleles (0.000077%); no homozygotes.

Submissions (2):

Ambry Genetics
Classification: Uncertain significance for Inborn genetic diseases. Last evaluated: 2025-12-28. Review status: criteria provided, single submitter. Criteria: Ambry Variant Classification Scheme 2023. Collection method: clinical testing. Allele origin: germline.
Comment: The p.P11Q variant (also known as c.32C>A), located in coding exon 1 of the CEBPA gene, results from a C to A substitution at nucleotide position 32. The proline at codon 11 is replaced by glutamine, an amino acid with similar properties. This amino acid position is conserved. In addition, this alteration is predicted to be tolerated by in silico analysis. Based on the available evidence, the clinical significance of this variant remains unclear.

Labcorp Genetics (formerly Invitae), Labcorp
Classification: Uncertain significance for Acute myeloid leukemia. Last evaluated: 2022-04-12. Review status: criteria provided, single submitter. Criteria: Invitae Variant Classification Sherloc (09022015). Collection method: clinical testing. Allele origin: germline.
Comment: This variant is not present in population databases (gnomAD no frequency). In summary, the available evidence is currently insufficient to determine the role of this variant in disease. Therefore, it has been classified as a Variant of Uncertain Significance. Algorithms developed to predict the effect of missense changes on protein structure and function (SIFT, PolyPhen-2, Align-GVGD) all suggest that this variant is likely to be tolerated. This variant has not been reported in the literature in individuals affected with CEBPA-related conditions. This sequence change replaces proline, which is neutral and non-polar, with glutamine, which is neutral and polar, at codon 11 of the CEBPA protein (p.Pro11Gln).

NM_004364.5(CEBPA):c.32C>A (p.Pro11Gln)

Genes: CEBPA (CCAAT enhancer binding protein alpha; minus strand), LOC130064183 (ATAC-STARR-seq lymphoblastoid silent region 10495; plus strand). Cytogenetic location: 19q13.11.
Variant type: single nucleotide variant.
Coding change: c.32C>A on transcript NM_004364.5 (MANE Select); coding-DNA position 32, C replaced by A.
Protein change: p.Pro11Gln; replaces proline 11 with glutamine.
Molecular consequence: missense variant. On other transcripts: 5 prime UTR variant (2).
Genome position (GRCh38, 1-based): chr19:33,302,383, G>T on the plus strand (C>A on the coding strand, the complement: CEBPA is on the minus strand). VCF-style: chr19-33302383-G-T. GRCh37 (hg19) VCF-style: chr19-33793289-G-T.
Other names: c.-326C>A (NM_001285829.2); c.137C>A, p.Pro46Gln (NM_001287424.2); c.-11C>A (NM_001287435.2); short protein forms P11Q, P46Q.
Identifiers: ClinVar variation 2155809 (VCV002155809.5), dbSNP rs1967204111, ClinGen allele CA405275821.
Genomic context (GRCh38, chr19:33,302,383, plus strand): 5'-AAGGCGGCGCTGCTGGGCGCGTGCGGGGGGCTCTGCAGGTGGCTGCTCATCGGGGGCCGC[G>T]GCTCCGCCTCGTAGAAGTCGGCCGACTCCATGGGGGAGTTAGAGTTCTCCCGGCATGGCG-3'
Protein context (NP_004355.2, residues 1-21): MESADFYEAE[Pro11Gln]RPPMSSHLQS